The following is an entry in ClinVar:

ClinVar aggregate classification (germline): other (0 of 4 stars; one submission).

Conditions:
Familial colorectal cancer. Identifiers: MedGen CN280943, MONDO:0023113. Disease mechanism: loss of function.

Submission:

Systems Biology Platform Zhejiang California International NanoSystems Institute
Classification: other for Familial colorectal cancer. Review status: no assertion criteria provided. Collection method: not provided. Allele origin: unknown.
ClinVar note: Converted during submission from cancer to other.

NC_000005.10:g.112851102T>A

Variant type: single nucleotide variant.
Genome position: GRCh38 VCF-style: chr5-112851102-T-A. GRCh37 (hg19) VCF-style: chr5-112186799-T-A.
Identifiers: ClinVar variation 82694 (VCV000082694.3), dbSNP rs79275719, ClinGen allele CA250834.